The following is an entry in ClinVar:

ClinVar aggregate classification (germline): Uncertain significance (1 of 4 stars; one submission).

Allele frequency attached by ClinVar (database versions not stated): gnomAD exomes below 0.00001; TOPMed 0.00001; gnomAD 0.00001; ESP Exome Variant Server 0.00008; ExAC 0.00001.
gnomAD v4.1: 4 of 1,611,368 alleles (0.00025%); highest among the groups gnomAD compares: Non-Finnish European, 0.00025%; no homozygotes.

Submission:

Labcorp Genetics (formerly Invitae), Labcorp
Classification: Uncertain significance. Last evaluated: 2022-06-20. Review status: criteria provided, single submitter. Criteria: Invitae Variant Classification Sherloc (09022015). Collection method: clinical testing. Allele origin: germline.
Comment: In summary, the available evidence is currently insufficient to determine the role of this variant in disease. Therefore, it has been classified as a Variant of Uncertain Significance. Algorithms developed to predict the effect of missense changes on protein structure and function are either unavailable or do not agree on the potential impact of this missense change (SIFT: "Deleterious"; PolyPhen-2: "Probably Damaging"; Align-GVGD: "Class C0"). This variant has not been reported in the literature in individuals affected with PEPD-related conditions. This variant is present in population databases (rs376338457, gnomAD 0.002%). This sequence change replaces glycine, which is neutral and non-polar, with glutamic acid, which is acidic and polar, at codon 260 of the PEPD protein (p.Gly260Glu).

NM_000285.4(PEPD):c.779G>A (p.Gly260Glu)

Gene: PEPD (peptidase D; minus strand). Cytogenetic location: 19q13.11.
Variant type: single nucleotide variant.
Coding change: c.779G>A on transcript NM_000285.4 (MANE Select); coding-DNA position 779, G replaced by A.
Protein change: p.Gly260Glu; replaces glycine 260 with glutamic acid.
Molecular consequence: missense variant.
Genome position (GRCh38, 1-based): chr19:33,411,711, C>T on the plus strand (G>A on the coding strand, the complement: PEPD is on the minus strand). VCF-style: chr19-33411711-C-T. GRCh37 (hg19) VCF-style: chr19-33902617-C-T.
Other names: c.656G>A, p.Gly219Glu (NM_001166056.2); c.587G>A, p.Gly196Glu (NM_001166057.2); short protein forms G196E, G219E, G260E.
Identifiers: ClinVar variation 1424316 (VCV001424316.7), dbSNP rs376338457, ClinGen allele CA9364136.